The following is an entry in ClinVar:

ClinVar aggregate classification (germline): Uncertain significance (1 of 4 stars; one submission).

Conditions:
Hereditary diffuse gastric adenocarcinoma (HDGC). Also called: DIFFUSE GASTRIC AND LOBULAR BREAST CANCER SYNDROME. Identifiers: Orphanet 26106, MedGen C1708349, MONDO:0007648, OMIM 137215.

Submission:

Labcorp Genetics (formerly Invitae), Labcorp
Classification: Uncertain significance for Hereditary diffuse gastric adenocarcinoma. Last evaluated: 2025-11-04. Review status: criteria provided, single submitter. Criteria: Invitae Variant Classification Sherloc (09022015). Collection method: clinical testing. Allele origin: germline.
Comment: This sequence change replaces glutamine, which is neutral and polar, with lysine, which is basic and polar, at codon 641 of the CDH1 protein (p.Gln641Lys). This variant is not present in population databases (gnomAD no frequency). This variant has not been reported in the literature in individuals affected with CDH1-related conditions. An algorithm developed to predict the effect of missense changes on protein structure and function outputs the following: PolyPhen-2: "Benign". The lysine amino acid residue is found in multiple mammalian species, which suggests that this missense change does not adversely affect protein function. In summary, the available evidence is currently insufficient to determine the role of this variant in disease. Therefore, it has been classified as a Variant of Uncertain Significance.

NM_004360.5(CDH1):c.1921C>A (p.Gln641Lys)

Gene: CDH1 (cadherin 1; plus strand). Cytogenetic location: 16q22.1.
Variant type: single nucleotide variant.
Coding change: c.1921C>A on transcript NM_004360.5 (MANE Select); coding-DNA position 1921, C replaced by A.
Protein change: p.Gln641Lys; replaces glutamine 641 with lysine.
Molecular consequence: missense variant. On other transcripts: 5 prime UTR variant (1).
Genome position (GRCh38, 1-based): chr16:68,822,210, C>A. VCF-style: chr16-68822210-C-A. GRCh37 (hg19) VCF-style: chr16-68856113-C-A.
Other names: c.1738C>A, p.Gln580Lys (NM_001317184.2); c.373C>A, p.Gln125Lys (NM_001317185.2); c.-45C>A (NM_001317186.2); short protein forms Q580K, Q125K, Q641K.
Identifiers: ClinVar variation 4730277 (VCV004730277.1).